The following is an entry in ClinVar:

ClinVar aggregate classification (germline): Uncertain significance (1 of 4 stars; one submission).

Conditions:
LAMA5-related disorder. Also called: LAMA5-related condition; LAMA5-Related Disorders.

Submission:

PreventionGenetics, part of Exact Sciences
Classification: Uncertain significance for LAMA5-related condition. Last evaluated: 2024-12-05. Review status: criteria provided, single submitter. Criteria: ACMG Guidelines, 2015. Collection method: clinical testing. Allele origin: germline.
Comment: The LAMA5 c.112G>A variant is predicted to result in the amino acid substitution p.Glu38Lys. To our knowledge, this variant has not been reported in the literature or in a large population database (gnomAD), indicating this variant is rare. At this time, the clinical significance of this variant is uncertain due to the absence of conclusive functional and genetic evidence.

NM_005560.6(LAMA5):c.112G>A (p.Glu38Lys)

Genes: LAMA5 (laminin subunit alpha 5; minus strand), LOC130066305 (ATAC-STARR-seq lymphoblastoid silent region 13109; plus strand). Cytogenetic location: 20q13.33.
Variant type: single nucleotide variant.
Coding change: c.112G>A on transcript NM_005560.6 (MANE Select); coding-DNA position 112, G replaced by A.
Protein change: p.Glu38Lys; replaces glutamic acid 38 with lysine.
Molecular consequence: missense variant.
Genome position (GRCh38, 1-based): chr20:62,367,134, C>T on the plus strand (G>A on the coding strand, the complement: LAMA5 is on the minus strand). VCF-style: chr20-62367134-C-T. GRCh37 (hg19) VCF-style: chr20-60942190-C-T.
Other names: short protein forms E38K.
Identifiers: ClinVar variation 4982465 (VCV004982465.1).